The following is an entry in ClinVar:

ClinVar aggregate classification (germline): Uncertain significance (1 of 4 stars; one submission).

gnomAD v4.1: 1 of 1,613,394 alleles (0.000062%); highest among the groups gnomAD compares: South Asian, 0.0011%; no homozygotes.

Submission:

Labcorp Genetics (formerly Invitae), Labcorp
Classification: Uncertain significance. Last evaluated: 2024-11-18. Review status: criteria provided, single submitter. Criteria: Invitae Variant Classification Sherloc (09022015). Collection method: clinical testing. Allele origin: germline.
Comment: This sequence change replaces methionine, which is neutral and non-polar, with lysine, which is basic and polar, at codon 388 of the ORC4 protein (p.Met388Lys). This variant is not present in population databases (gnomAD no frequency). This variant has not been reported in the literature in individuals affected with ORC4-related conditions. ClinVar contains an entry for this variant (Variation ID: 2088532). Invitae Evidence Modeling of protein sequence and biophysical properties (such as structural, functional, and spatial information, amino acid conservation, physicochemical variation, residue mobility, and thermodynamic stability) indicates that this missense variant is not expected to disrupt ORC4 protein function with a negative predictive value of 80%. In summary, the available evidence is currently insufficient to determine the role of this variant in disease. Therefore, it has been classified as a Variant of Uncertain Significance.

NM_181741.4(ORC4):c.1163T>A (p.Met388Lys)

Gene: ORC4 (origin recognition complex subunit 4; minus strand). Cytogenetic location: 2q23.1.
Variant type: single nucleotide variant.
Coding change: c.1163T>A on transcript NM_181741.4 (MANE Select); coding-DNA position 1163, T replaced by A.
Protein change: p.Met388Lys; replaces methionine 388 with lysine.
Molecular consequence: missense variant.
Genome position (GRCh38, 1-based): chr2:147,935,658, A>T on the plus strand (T>A on the coding strand, the complement: ORC4 is on the minus strand). VCF-style: chr2-147935658-A-T. GRCh37 (hg19) VCF-style: chr2-148693227-A-T.
Other names: c.1163T>A, p.Met388Lys (NM_001190879.3, NM_001374270.1, NM_002552.5 and 1 more transcripts); c.911T>A, p.Met304Lys (NM_001190881.3, NM_001374272.1); c.941T>A, p.Met314Lys (NM_001190882.3); short protein forms M304K, M388K, M314K.
Identifiers: ClinVar variation 2088532 (VCV002088532.4), dbSNP rs746710097, ClinGen allele CA348709860.